The following is an entry in ClinVar:

NM_003922.4(HERC1):c.6574C>T (p.Arg2192Cys)

Gene: HERC1 (HECT and RLD domain containing E3 ubiquitin protein ligase family member 1; minus strand). Cytogenetic location: 15q22.31.
Variant type: single nucleotide variant.
Coding change: c.6574C>T on transcript NM_003922.4 (MANE Select); coding-DNA position 6574, C replaced by T.
Protein change: p.Arg2192Cys; replaces arginine 2192 with cysteine.
Molecular consequence: missense variant.
Genome position (GRCh38, 1-based): chr15:63,678,341, G>A on the plus strand (C>T on the coding strand, the complement: HERC1 is on the minus strand). VCF-style: chr15-63678341-G-A. GRCh37 (hg19) VCF-style: chr15-63970540-G-A.
Other names: short protein forms R2192C.
Identifiers: ClinVar variation 4074601 (VCV004074601.2).

ClinVar aggregate classification (germline): Uncertain significance (1 of 4 stars; one submission).

gnomAD v4.1: 23 of 1,599,768 alleles (0.0014%); highest among the groups gnomAD compares: South Asian, 0.0023%; no homozygotes.

Submission:

GeneDx
Classification: Uncertain significance. Last evaluated: 2025-09-19. Review status: criteria provided, single submitter. Criteria: GeneDx Variant Classification Process June 2021. Collection method: clinical testing. Allele origin: germline.
Comment: Not observed at significant frequency in large population cohorts (gnomAD); In silico analysis supports that this missense variant has a deleterious effect on protein structure/function; Has not been previously published as pathogenic or benign to our knowledge